The following is an entry in ClinVar:

NC_000019.9:g.(?_1205797)_(1223172_1226452)del

Gene: STK11 (serine/threonine kinase 11; plus strand). Cytogenetic location: 19p13.3.
Variant type: Deletion.
Identifiers: ClinVar variation 1704500 (VCV001704500.1).

ClinVar aggregate classification (germline): Likely pathogenic (1 of 4 stars; one submission).

Conditions:
Peutz-Jeghers syndrome (PJS). Also called: Peutz-Jeghers polyposis; Periorificial lentiginosis syndrome; POLYPOSIS, HAMARTOMATOUS INTESTINAL; POLYPS-AND-SPOTS SYNDROME. Identifiers: Orphanet 2869, MedGen C0031269, MeSH D010580, MONDO:0008280, OMIM 175200.

Submission:

Women's Health and Genetics/Laboratory Corporation of America, LabCorp
Classification: Likely pathogenic for Peutz-Jeghers syndrome. Last evaluated: 2022-07-15. Review status: criteria provided, single submitter. Criteria: LabCorp Variant Classification Summary - May 2015. Collection method: clinical testing. Allele origin: germline.
Comment: Variant summary: The variant identified by MLPA or other technology involves the deletion of exons 1-8 in the STK11 gene, which includes the initiation codon. A presumed nomenclature of c.(?_-1116)_(1108+1_1109-1)del has been designated for the purposes of this classification. The variant was absent in 21198 control chromosomes (gnomAD, Structural Variants dataset). To our knowledge, no occurrence of c.(?_-1116)_(1108+1_1109-1)del in individuals affected with Peutz-Jeghers Syndrome and no experimental evidence demonstrating its impact on protein function have been reported. A ClinVar submitter (evaluation after 2014) cites the variant as pathogenic. Based on the evidence outlined above, the variant was classified as likely pathogenic.